The following is an entry in ClinVar:

NM_000191.3(HMGCL):c.206_207del (p.Ser69fs)

Gene: HMGCL (3-hydroxy-3-methylglutaryl-CoA lyase; minus strand). Cytogenetic location: 1p36.11.
Variant type: Microsatellite.
Coding change: c.206_207del on transcript NM_000191.3 (MANE Select); coding-DNA positions 206 to 207, 2 bases deleted (CT; older notation c.206_207delCT).
Protein change: p.Ser69fs; shifts the reading frame from serine 69.
Molecular consequence: frameshift variant.
Genome position (GRCh38, 1-based): chr1:23,817,521-23,817,522, AG deleted on the plus strand (CT on the coding strand, the reverse complement: HMGCL is on the minus strand); deleting any 2 consecutive bases within chr1:23,817,521-23,817,526 gives the same sequence; the c. name uses the placement nearest the transcript's 3' end. VCF-style (leftmost placement, unchanged base first): chr1-23817520-CAG-C. GRCh37 (hg19) VCF-style: chr1-24144010-CAG-C.
Other names: c.206_207del, p.Ser69fs (NM_001166059.2); c.206_207del (NM_000191.2); c.206_207delCT (NM_000191.3); short protein forms S69fs.
Identifiers: ClinVar variation 11954 (VCV000011954.34), dbSNP rs752137615, ClinGen allele CA256129.

ClinVar aggregate classification (germline): Pathogenic. Review status: criteria provided, multiple submitters, no conflicts (2 of 4 stars). 14 submissions from 14 submitters: Pathogenic (12). 2 of the submissions do not count toward it. Last evaluated 2026-02-19.

Conditions:
HMGCL-related disorders.
Long chain 3-hydroxyacyl-CoA dehydrogenase deficiency. Also called: Deficiency of long-chain 3-hydroxyacyl-coenzyme A dehydrogenase; LCHAD Deficiency. Identifiers: Orphanet 5, MedGen C3711645, MONDO:0012173, OMIM 609016.
Deficiency of hydroxymethylglutaryl-CoA lyase (HMGCLD). Also called: HMGCL DEFICIENCY; HYDROXYMETHYLGLUTARIC ACIDURIA; HMG-CoA LYASE DEFICIENCY; Defect in leucine metabolism; 3-hydroxy-3-methylglutaric aciduria. Identifiers: Orphanet 20, MedGen C1533587, MONDO:0009520, OMIM 246450.

Submissions (14):

Dasa
Classification: Pathogenic. Last evaluated: 2026-02-19. Review status: criteria provided, single submitter. Criteria: DASA Assertion Criteria. Collection method: clinical testing. Allele origin: germline.
Comment: NM_000191.3(HMGCL):c.206_207del (p.Ser69Cysfs*11) is a frameshift variant in HMGCL predicted to alter the reading frame and introduce a premature termination codon and is predicted to result in an absent or altered protein product. Loss of function is an established disease mechanism for HMGCL-associated disorders. This variant has been reported in individuals with HMGCL-related disorders (PMID: 8440722). Functional evidence supports an impact on the gene or gene product (PMID: 8440722). Also, this variant is rare in population databases. Based on the currently available evidence, this variant is classified as pathogenic.

Natera, Inc.
Classification: Pathogenic for Deficiency of long-chain 3-hydroxyacyl-coenzyme A dehydrogenase. Last evaluated: 2025-10-16. Review status: criteria provided, single submitter. Criteria: Natera Variant Classification Schema (03/2026). Collection method: clinical testing. Allele origin: germline.
Comment: The c.206_207delCT variant in HMGCL is a frameshift variant predicted to shift the reading frame beginning at codon 69 and leads to a stop codon 11 codons downstream. This variant is expected to result in nonsense mediated decay, truncation, or a dysfunctional protein product. This variant is rare in the general population with a frequency below the threshold expected for the associated phenotype(s). This variant has been observed in one or more individuals affected with the associated recessive disease, as either homozygous or compound heterozygous with a second variant (PMID: 19177531). Given the available evidence, this variant is classified as Pathogenic.

3billion
Classification: Pathogenic for Deficiency of hydroxymethylglutaryl-CoA lyase. Last evaluated: 2025-10-07. Review status: criteria provided, single submitter. Criteria: ACMG Guidelines, 2015. Collection method: clinical testing. Allele origin: germline. Affected: yes.
Comment: The variant is observed at an extremely low frequency in the gnomAD v4.1.0 dataset (total allele frequency: 0.001%). Predicted Consequence/Location: Frameshift: predicted to result in a loss or disruption of normal protein function through nonsense-mediated decay (NMD) or protein truncation. Multiple pathogenic variants are reported downstream of the variant. The variant has been reported at least twice as pathogenic with clinical assertions and evidence for the classification (ClinVar ID: VCV000011954 /PMID: 8440722). Therefore, this variant is classified as Pathogenic according to the recommendation of ACMG/AMP guideline.

Genomic Medicine Center of Excellence, King Faisal Specialist Hospital and Research Centre
Classification: Pathogenic for Deficiency of hydroxymethylglutaryl-CoA lyase. Last evaluated: 2025-09-10. Review status: criteria provided, single submitter. Criteria: ACMG Guidelines, 2015. Collection method: clinical testing. Allele origin: germline.

CeGaT Center for Human Genetics Tuebingen
Classification: Pathogenic. Last evaluated: 2025-05-01. Review status: criteria provided, single submitter. Criteria: CeGaT Center For Human Genetics Tuebingen Variant Classification Criteria Version 2. Collection method: clinical testing. Allele origin: germline. Affected: yes. Observed: 1 variant allele.
Comment: HMGCL: PVS1, PM2, PM3, PP4

Fulgent Genetics
Classification: Pathogenic for Deficiency of hydroxymethylglutaryl-CoA lyase. Last evaluated: 2024-04-26. Review status: criteria provided, single submitter. Criteria: ACMG Guidelines, 2015. Collection method: clinical testing. Allele origin: germline.

Labcorp Genetics (formerly Invitae), Labcorp
Classification: Pathogenic for Deficiency of hydroxymethylglutaryl-CoA lyase. Last evaluated: 2024-02-24. Review status: criteria provided, single submitter. Criteria: Invitae Variant Classification Sherloc (09022015). Collection method: clinical testing. Allele origin: germline.
Comment: This sequence change creates a premature translational stop signal (p.Ser69Cysfs*11) in the HMGCL gene. It is expected to result in an absent or disrupted protein product. Loss-of-function variants in HMGCL are known to be pathogenic (PMID: 9817922, 17692550, 23465862). This variant is present in population databases (rs752137615, gnomAD 0.02%). This premature translational stop signal has been observed in individual(s) with HMG-CoA lyase deficiency (PMID: 8440722). It has also been observed to segregate with disease in related individuals. This variant is also known as S69fs(-2). ClinVar contains an entry for this variant (Variation ID: 11954). Algorithms developed to predict the effect of sequence changes on RNA splicing suggest that this variant may disrupt the consensus splice site. For these reasons, this variant has been classified as Pathogenic.

Department of Pathology and Laboratory Medicine, Sinai Health System
Classification: Pathogenic for Deficiency of hydroxymethylglutaryl-CoA lyase. Last evaluated: 2023-07-26. Review status: criteria provided, single submitter. Criteria: ACMG Guidelines, 2015. Collection method: research. Allele origin: germline.

Genome-Nilou Lab
Classification: Pathogenic for Deficiency of hydroxymethylglutaryl-CoA lyase. Last evaluated: 2023-04-11. Review status: criteria provided, single submitter. Criteria: ACMG Guidelines, 2015. Collection method: clinical testing. Allele origin: germline. Affected: no.

GeneDx
Classification: Pathogenic. Last evaluated: 2022-07-22. Review status: criteria provided, single submitter. Criteria: GeneDx Variant Classification Process June 2021. Collection method: clinical testing. Allele origin: germline. Affected: yes.
Comment: Frameshift variant predicted to result in protein truncation or nonsense mediated decay in a gene for which loss-of-function is a known mechanism of disease; Not observed at a significant frequency in large population cohorts (gnomAD); This variant is associated with the following publications: (PMID: 8440722, 19177531, 35646072)

Blueprint Genetics
Classification: Pathogenic for HMGCL-related disorders. Last evaluated: 2022-07-06. Review status: criteria provided, single submitter. Criteria: ACMG Guidelines, 2015. Collection method: clinical testing. Allele origin: germline. Affected: yes. Observed: 1 variant allele.

Women's Health and Genetics/Laboratory Corporation of America, LabCorp
Classification: Pathogenic for Deficiency of hydroxymethylglutaryl-CoA lyase. Last evaluated: 2021-09-09. Review status: criteria provided, single submitter. Criteria: LabCorp Variant Classification Summary - May 2015. Collection method: clinical testing. Allele origin: germline.
Comment: Variant summary: HMGCL c.206_207delCT (p.Ser69CysfsX11) results in a premature termination codon, predicted to cause a truncation of the encoded protein or absence of the protein due to nonsense mediated decay, which are commonly known mechanisms for disease. Truncations downstream of this position have been classified as pathogenic by our laboratory. The variant allele was found at a frequency of 2.8e-05 in 251468 control chromosomes. c.206_207delCT has been reported in the literature in individuals affected with HMG-CoA Lyase Deficiency (e.g. Mitchell_1993). These data indicate that the variant is likely to be associated with disease. At least one publication reports experimental evidence evaluating an impact on protein function. The most pronounced variant effect results in <10% of normal activity (Mitchell_1993). Four clinical diagnostic laboratories have submitted clinical-significance assessments for this variant to ClinVar after 2014 without evidence for independent evaluation. All laboratories classified the variant as pathogenic/likely pathogenic. Based on the evidence outlined above, the variant was classified as pathogenic.

Counsyl
Classification: Likely pathogenic for Deficiency of hydroxymethylglutaryl-CoA lyase. Last evaluated: 2017-03-29. Review status: no assertion criteria provided. Collection method: clinical testing. Allele origin: unknown. Not counted in ClinVar's aggregate classification.

OMIM
Classification: Pathogenic for HMG-CoA LYASE DEFICIENCY. Last evaluated: 1993-02-25. Review status: no assertion criteria provided. Collection method: literature only. Allele origin: germline. Not counted in ClinVar's aggregate classification.

Literature cited by the submitters: PubMed 8440722 (cited by 6 submitters); PubMed 19177531 (cited by Natera, Inc.); PubMed 9817922 (cited by Labcorp Genetics (formerly Invitae), Labcorp); PubMed 17692550 (cited by Labcorp Genetics (formerly Invitae), Labcorp); PubMed 23465862 (cited by Labcorp Genetics (formerly Invitae), Labcorp); Mitchell, G. A., Robert, M.-F., Fontaine, G., Wang, S., Lambert, M., Cole, D., Lee, C., Gibson, M., Miziorko, H. HMG CoA lyase (HL) deficiency: detection of a causal mutation in an affected French-Canadian sibship. (Abstract) Am. J. Hum. Genet. 51 (suppl.): A173, 1992. (cited by OMIM).